The following is an entry in ClinVar:

ClinVar aggregate classification (germline): Uncertain significance. Review status: criteria provided, multiple submitters, no conflicts (2 of 4 stars). 2 submissions from 2 submitters: Uncertain significance (2). Last evaluated 2025-08-18.

Allele frequency attached by ClinVar (database versions not stated): ExAC 0.00002; gnomAD exomes 0.00003 and 0.00004; gnomAD 0.00004; TOPMed 0.00005; ESP Exome Variant Server 0.00015.
gnomAD v4.1: 44 of 1,610,766 alleles (0.0027%); highest among the groups gnomAD compares: African/African-American, 0.0094%; no homozygotes.

Submissions (2):

Labcorp Genetics (formerly Invitae), Labcorp
Classification: Uncertain significance. Last evaluated: 2025-08-18. Review status: criteria provided, single submitter. Criteria: Invitae Variant Classification Sherloc (09022015). Collection method: clinical testing. Allele origin: germline.
Comment: This sequence change replaces arginine, which is basic and polar, with histidine, which is basic and polar, at codon 508 of the ATF6 protein (p.Arg508His). This variant is present in population databases (rs374129058, gnomAD 0.01%). This variant has not been reported in the literature in individuals affected with ATF6-related conditions. ClinVar contains an entry for this variant (Variation ID: 956523). Invitae Evidence Modeling of protein sequence and biophysical properties (such as structural, functional, and spatial information, amino acid conservation, physicochemical variation, residue mobility, and thermodynamic stability) indicates that this missense variant is not expected to disrupt ATF6 protein function with a negative predictive value of 80%. In summary, the available evidence is currently insufficient to determine the role of this variant in disease. Therefore, it has been classified as a Variant of Uncertain Significance.

Blueprint Genetics
Classification: Uncertain significance. Last evaluated: 2023-11-23. Review status: criteria provided, single submitter. Criteria: ACMG Guidelines, 2015. Collection method: clinical testing. Allele origin: germline.

NM_007348.4(ATF6):c.1523G>A (p.Arg508His)

Gene: ATF6 (activating transcription factor 6; plus strand). Cytogenetic location: 1q23.3.
Variant type: single nucleotide variant.
Coding change: c.1523G>A on transcript NM_007348.4 (MANE Select); coding-DNA position 1523, G replaced by A.
Protein change: p.Arg508His; replaces arginine 508 with histidine.
Molecular consequence: missense variant.
Genome position (GRCh38, 1-based): chr1:161,853,313, G>A. VCF-style: chr1-161853313-G-A. GRCh37 (hg19) VCF-style: chr1-161823103-G-A.
Other names: short protein forms R508H.
Identifiers: ClinVar variation 956523 (VCV000956523.7), dbSNP rs374129058, ClinGen allele CA1214493.